The following is an entry in ClinVar:

ClinVar aggregate classification (germline): Conflicting classifications of pathogenicity. Review status: criteria provided, conflicting classifications (1 of 4 stars). 4 submissions from 4 submitters: Likely pathogenic (1); Uncertain significance (3). Last evaluated 2026-07-01.

Conditions:
Glycogen storage disease, type II (IOPD). Also called: Pompe Disease; CARDIOMEGALIA GLYCOGENICA DIFFUSA; GLYCOGENOSIS, GENERALIZED, CARDIAC FORM; GSD II; POMPE DISEASE, INFANTILE-ONSET; GLYCOGEN STORAGE DISEASE II, INFANTILE-ONSET. Identifiers: Orphanet 365, MedGen C0017921, MONDO:0009290, OMIM 232300.

Submissions (4):

Genomenon, Inc
Classification: Likely pathogenic for Glycogen storage disease, type II. Last evaluated: 2026-07-01. Review status: criteria provided, single submitter. Criteria: Genomenon Sequence Variant Interpretation Standards - Updated. Collection method: curation. Allele origin: germline. Affected: yes.
Comment: GAA p.Arg168Pro (c.503G>C) is a missense variant that changes the amino acid at codon 168 from Arginine to Proline. This variant has been observed in at least one proband with a GAA-related disorder in the compound heterozygous and/or homozygous state (PMID:39010129;25526786;37305718;24169249). Splicing studies have been reported (PMID:31301153). It is absent or not present at a significant frequency in gnomAD. In silico models predict that this variant is possibly or probably damaging. In conclusion, we classify GAA p.Arg168Pro (c.503G>C) as a likely pathogenic variant.

Labcorp Genetics (formerly Invitae), Labcorp
Classification: Uncertain significance for Glycogen storage disease, type II. Last evaluated: 2025-11-16. Review status: criteria provided, single submitter. Criteria: Invitae Variant Classification Sherloc (09022015). Collection method: clinical testing. Allele origin: germline.
Comment: This sequence change replaces arginine, which is basic and polar, with proline, which is neutral and non-polar, at codon 168 of the GAA protein (p.Arg168Pro). This variant is not present in population databases (gnomAD no frequency). This missense change has been observed in individual(s) with late-onset Pompe disease (PMID: 25526786, 31076647). ClinVar contains an entry for this variant (Variation ID: 639915). Invitae Evidence Modeling of protein sequence and biophysical properties (such as structural, functional, and spatial information, amino acid conservation, physicochemical variation, residue mobility, and thermodynamic stability) indicates that this missense variant is not expected to disrupt GAA protein function with a negative predictive value of 95%. Studies have shown that this missense change is associated with inconclusive levels of altered splicing (PMID: 31301153). This variant disrupts the p.Arg168 amino acid residue in GAA. Other variant(s) that disrupt this residue have been observed in individuals with GAA-related conditions (PMID: 21488292, 25526786, 30155607), which suggests that this may be a clinically significant amino acid residue. In summary, the available evidence is currently insufficient to determine the role of this variant in disease. Therefore, it has been classified as a Variant of Uncertain Significance.

Revvity Omics, Revvity
Classification: Uncertain significance. Last evaluated: 2025-02-06. Review status: criteria provided, single submitter. Criteria: ACMG Guidelines, 2015. Collection method: clinical testing. Allele origin: germline.

Women's Health and Genetics/Laboratory Corporation of America, LabCorp
Classification: Uncertain significance. Last evaluated: 2024-12-20. Review status: criteria provided, single submitter. Criteria: LabCorp Variant Classification Summary - May 2015. Collection method: clinical testing. Allele origin: germline.
Comment: Variant summary: GAA c.503G>C (p.Arg168Pro) results in a non-conservative amino acid change located in the Glycosyl hydrolase 31 N-terminal galactose mutarotase-like domain (IPR025887) of the encoded protein sequence. Three of five in-silico tools predict a damaging effect of the variant on protein function. The variant was absent in 243198 control chromosomes. The available data on variant occurrences in the general population are insufficient to allow any conclusion about variant significance. c.503G>C has been reported in the literature in individuals affected with Glycogen Storage Disease, Type 2 (Pompe Disease) (Liu_2014). These data do not allow any conclusion about variant significance. To our knowledge, no experimental evidence demonstrating an impact on protein function has been reported. The following publication have been ascertained in the context of this evaluation (PMID: 25526786). ClinVar contains an entry for this variant (Variation ID: 639915). Based on the evidence outlined above, the variant was classified as uncertain significance.

Literature cited by the submitters: PubMed 39010129 (cited by Genomenon, Inc); PubMed 25526786 (cited by 3 submitters); PubMed 37305718 (cited by Genomenon, Inc); PubMed 24169249 (cited by Genomenon, Inc); PubMed 31301153 (cited by Genomenon, Inc and Labcorp Genetics (formerly Invitae), Labcorp); PubMed 31076647 (cited by Labcorp Genetics (formerly Invitae), Labcorp); PubMed 21488292 (cited by Labcorp Genetics (formerly Invitae), Labcorp); PubMed 30155607 (cited by Labcorp Genetics (formerly Invitae), Labcorp).

NM_000152.5(GAA):c.503G>C (p.Arg168Pro)

Gene: GAA (alpha glucosidase; plus strand). Cytogenetic location: 17q25.3.
Variant type: single nucleotide variant.
Coding change: c.503G>C on transcript NM_000152.5 (MANE Select); coding-DNA position 503, G replaced by C.
Protein change: p.Arg168Pro; replaces arginine 168 with proline.
Molecular consequence: missense variant.
Genome position (GRCh38, 1-based): chr17:80,105,089, G>C. VCF-style: chr17-80105089-G-C. GRCh37 (hg19) VCF-style: chr17-78078888-G-C.
Other names: c.503G>C (LRG_673t1); c.503G>C, p.Arg168Pro (NM_001079803.3, NM_001079804.3); short protein forms R168P.
Identifiers: ClinVar variation 639915 (VCV000639915.14), dbSNP rs376685205, ClinGen allele CA401361673.